The following is an entry in ClinVar:

ClinVar aggregate classification (germline): Conflicting classifications of pathogenicity. Review status: criteria provided, conflicting classifications (1 of 4 stars). 3 submissions from 3 submitters: Uncertain significance (1); Likely benign (2). Last evaluated 2025-04-27.

Conditions:
Hereditary cancer-predisposing syndrome. Also called: Tumor predisposition; Neoplastic Syndromes, Hereditary; Hereditary Cancer Syndrome; Hereditary neoplastic syndrome. Identifiers: Orphanet 140162, MedGen C0027672, MeSH D009386, MONDO:0015356.
Ataxia-telangiectasia syndrome (AT). Also called: Ataxia-telangiectasia; Cerebello-oculocutaneous telangiectasia; Immunodeficiency with ataxia telangiectasia; ATAXIA-TELANGIECTASIA, COMPLEMENTATION GROUP A; ATAXIA-TELANGIECTASIA, FRESNO VARIANT; Ataxia-telangiectasia, complementation group D. Identifiers: Orphanet 100, MedGen C0004135, MONDO:0008840, OMIM 208900.

Submissions (3):

Labcorp Genetics (formerly Invitae), Labcorp
Classification: Likely benign for Ataxia-telangiectasia syndrome. Last evaluated: 2025-04-27. Review status: criteria provided, single submitter. Criteria: Invitae Variant Classification Sherloc (09022015). Collection method: clinical testing. Allele origin: germline.

Sema4
Classification: Uncertain significance for Hereditary cancer-predisposing syndrome. Last evaluated: 2021-12-16. Review status: criteria provided, single submitter. Criteria: Sema4 Curation Guidelines. Collection method: curation. Allele origin: germline.
Comment: To the best of our knowledge, the ATM c.2125-7_2125-3delCTTTA variant has not been reported in individuals with ATM-related disease. This variant is not reported in the population database Genome Aggregation Database (PMID: 32461654). This variant has been reported in ClinVar (Variation ID: 414542). Functional studies have not been performed, and in silico predictions of the variant's effect on splicing are inconclusive. The evidence is insufficient to meet ACMG/AMP criteria for classifying the variant as benign or pathogenic. Thus, the clinical significance of this variant is currently uncertain.

Color Diagnostics, LLC DBA Color Health
Classification: Likely benign for Hereditary cancer-predisposing syndrome. Last evaluated: 2017-05-31. Review status: criteria provided, single submitter. Criteria: ACMG Guidelines, 2015. Collection method: clinical testing. Allele origin: germline.

NM_000051.4(ATM):c.2125-7_2125-3del

Gene: ATM (ATM serine/threonine kinase; plus strand). Cytogenetic location: 11q22.3.
Variant type: Deletion.
Coding change: c.2125-7_2125-3del on transcript NM_000051.4 (MANE Select); 7 bases into the intron before coding-DNA position 2125 through 3 bases into the intron before coding-DNA position 2125, 5 bases deleted (CTTTA; older notation c.2125-7_2125-3delCTTTA).
Molecular consequence: intron variant.
Genome position (GRCh38, 1-based): chr11:108,256,208-108,256,212, CTTTA deleted; deleting any 5 consecutive bases within chr11:108,256,204-108,256,212 gives the same sequence; the c. name uses the placement nearest the transcript's 3' end. VCF-style (leftmost placement, unchanged base first): chr11-108256203-GTTTAC-G. GRCh37 (hg19) VCF-style: chr11-108126930-GTTTAC-G.
Other names: c.2125-7_2125-3delCTTTA (NM_000051.3); c.2125-11_2125-7delTTTAC (NM_000051.3); c.2125-7_2125-3del (NM_001351834.2).
Identifiers: ClinVar variation 414542 (VCV000414542.15), dbSNP rs1060504272, ClinGen allele CA16613275.